The following is an entry in ClinVar:

ClinVar aggregate classification (germline): Likely benign (0 of 4 stars; one submission).

Conditions:
MYT1-related disorder. Also called: MYT1-related condition.

Allele frequency attached by ClinVar (database versions not stated): ExAC 0.00002; gnomAD exomes 0.00002; gnomAD 0.00003; TOPMed 0.00004; ESP Exome Variant Server 0.00008.
gnomAD v4.1: 36 of 1,614,014 alleles (0.0022%); highest among the groups gnomAD compares: Middle Eastern, 0.2%; no homozygotes.

Submission:

PreventionGenetics, part of Exact Sciences
Classification: Likely benign for MYT1-related condition. Last evaluated: 2019-06-05. Review status: no assertion criteria provided. Collection method: clinical testing. Allele origin: germline.
Comment: This variant is classified as likely benign based on ACMG/AMP sequence variant interpretation guidelines (Richards et al. 2015 PMID: 25741868, with internal and published modifications).

NM_004535.3(MYT1):c.1059C>T (p.Asp353=)

Gene: MYT1 (myelin transcription factor 1; plus strand). Cytogenetic location: 20q13.33.
Variant type: single nucleotide variant.
Coding change: c.1059C>T on transcript NM_004535.3 (MANE Select); coding-DNA position 1059, C replaced by T.
Protein change: p.Asp353=; no amino-acid change (aspartic acid 353 retained).
Molecular consequence: synonymous variant.
Genome position (GRCh38, 1-based): chr20:64,208,255, C>T. VCF-style: chr20-64208255-C-T. GRCh37 (hg19) VCF-style: chr20-62839608-C-T.
Identifiers: ClinVar variation 3044263 (VCV003044263.2), dbSNP rs376151221, ClinGen allele CA9974757.